The following is an entry in ClinVar:

NM_015331.3(NCSTN):c.248A>G (p.Gln83Arg)

Gene: NCSTN (nicastrin; plus strand). Cytogenetic location: 1q23.2.
Variant type: single nucleotide variant.
Coding change: c.248A>G on transcript NM_015331.3 (MANE Select); coding-DNA position 248, A replaced by G.
Protein change: p.Gln83Arg; replaces glutamine 83 with arginine.
Molecular consequence: missense variant.
Genome position (GRCh38, 1-based): chr1:160,349,056, A>G. VCF-style: chr1-160349056-A-G. GRCh37 (hg19) VCF-style: chr1-160318846-A-G.
Other names: c.188A>G, p.Gln63Arg (NM_001290184.2); c.248A>G, p.Gln83Arg (NM_001290186.2, NM_001349729.2); short protein forms Q83R, Q63R.
Identifiers: ClinVar variation 2785784 (VCV002785784.3), dbSNP rs1208128258, ClinGen allele CA343276624.

ClinVar aggregate classification (germline): Uncertain significance (1 of 4 stars; one submission).

Allele frequency attached by ClinVar (database versions not stated): gnomAD exomes below 0.00001; gnomAD 0.00001.
gnomAD v4.1: 5 of 1,614,050 alleles (0.00031%); highest among the groups gnomAD compares: East Asian, 0.0089%; no homozygotes.

Submission:

Labcorp Genetics (formerly Invitae), Labcorp
Classification: Uncertain significance. Last evaluated: 2023-11-12. Review status: criteria provided, single submitter. Criteria: Invitae Variant Classification Sherloc (09022015). Collection method: clinical testing. Allele origin: germline.
Comment: This sequence change replaces glutamine, which is neutral and polar, with arginine, which is basic and polar, at codon 83 of the NCSTN protein (p.Gln83Arg). This variant is present in population databases (no rsID available, gnomAD 0.007%). This variant has not been reported in the literature in individuals affected with NCSTN-related conditions. Advanced modeling of protein sequence and biophysical properties (such as structural, functional, and spatial information, amino acid conservation, physicochemical variation, residue mobility, and thermodynamic stability) performed at Invitae indicates that this missense variant is not expected to disrupt NCSTN protein function with a negative predictive value of 80%. In summary, the available evidence is currently insufficient to determine the role of this variant in disease. Therefore, it has been classified as a Variant of Uncertain Significance.